The following is an entry in ClinVar:

NM_000277.3(PAH):c.969+1G>A

Gene: PAH (phenylalanine hydroxylase; minus strand). Cytogenetic location: 12q23.2.
Variant type: single nucleotide variant.
Coding change: c.969+1G>A on transcript NM_000277.3 (MANE Select); the canonical splice donor site of the intron after coding-DNA position 969, G replaced by A.
Molecular consequence: splice donor variant.
Genome position (GRCh38, 1-based): chr12:102,846,894, C>T on the plus strand (G>A on the coding strand, the complement: PAH is on the minus strand). VCF-style: chr12-102846894-C-T. GRCh37 (hg19) VCF-style: chr12-103240672-C-T.
Other names: c.969+1G>A (NM_001354304.2).
Identifiers: ClinVar variation 102914 (VCV000102914.7), dbSNP rs62508584, ClinGen allele CA229878.
Genomic context (GRCh38, chr12:102,846,894, plus strand): 5'-AAGACCTGAGGGCCATAGCCTATAGCACTCCACCATCCACCCAGGGAGAGAAGGGACTTA[C>T]TGTGGCGAGCTTTTCAATGTATTCATCAGGTGCACCCAGAGAGGCAAGGCCAATTTCCTG-3'

ClinVar aggregate classification (germline): Likely pathogenic. Review status: reviewed by expert panel (3 of 4 stars). 4 submissions from 4 submitters: Likely pathogenic (1). 3 of the submissions do not count toward it. Last evaluated 2020-04-21.

Conditions:
Phenylketonuria (PKU). Also called: Phenylketonuria (PKU); FOLLING DISEASE; OLIGOPHRENIA PHENYLPYRUVICA; Phenylketonurias. Identifiers: Orphanet 716, MedGen C0031485, MONDO:0009861, OMIM 261600. Disease mechanism: loss of function.

Submissions (4):

ClinGen PAH Variant Curation Expert Panel
Classification: Likely pathogenic for Phenylketonuria. Last evaluated: 2020-04-21. Review status: reviewed by expert panel. Criteria: ClinGen PAH ACMG Specifications v1. Collection method: curation. Allele origin: germline. Inheritance: Autosomal recessive inheritance.
Comment: The PAH variant c.969+1G>A (IVS9+1G>A) is a null variant (donor site) located in exon number 9 of the PAH gene. Loss of function in the PAH gene is a known mechanism of disease. Four null variants in exon 9 of the PAH gene have been reported. This variant is predicted to alter a region that is critical to protein function (13 pathogenic non-nonsense variants in the skipped exon have been reported). Exon skipping is not predicted to disrupt the reading frame. According to TraP in silico splicing prediction, this alteration is probably damaging (TraP score 0.968). HSF (-32.06% variation) and MaxEnt (-86.2% variation) agree that this alteration of the WT donor site most probably affects splicing. This variant is absent in the gnomAD, ExAC, and PAGE population databases. In summary, this variant meets the criteria to be classified as likely pathogenic. PAH-specific ACMG/AMP criteria applied: PM2, PM3_Supporting, PP4, and PVS1_Strong.

3billion
Classification: Pathogenic for Phenylketonuria. Last evaluated: 2022-01-03. Review status: criteria provided, single submitter. Criteria: ACMG Guidelines, 2015. Collection method: clinical testing. Allele origin: germline. Affected: yes. Observed: 1 heterozygote. Not counted in ClinVar's aggregate classification.
Comment: Canonical splice site: predicted to alter splicing and result in a loss or disruption of normal protein function through protein truncation. Multiple pathogenic variants are reported in the predicted truncated region (PVS1_VS). It is not observed in the gnomAD v2.1.1 dataset (PM2_M). The variant has been reported multiple times as an established pathogenic/likely pathogenic variant (ClinVar ID: VCV000102914). Therefore, this variant is classified as pathogenic according to the recommendation of ACMG/AMP guideline.

Labcorp Genetics (formerly Invitae), Labcorp
Classification: Pathogenic for Phenylketonuria. Last evaluated: 2021-08-24. Review status: criteria provided, single submitter. Criteria: Invitae Variant Classification Sherloc (09022015). Collection method: clinical testing. Allele origin: germline. Not counted in ClinVar's aggregate classification.

DeBelle Laboratory for Biochemical Genetics, MUHC/MCH RESEARCH INSTITUTE
No classification provided. Review status: no classification provided. Collection method: not provided. Allele origin: not provided. Not counted in ClinVar's aggregate classification.